The following is an entry in ClinVar:

ClinVar aggregate classification (germline): Uncertain significance. Review status: criteria provided, multiple submitters, no conflicts (2 of 4 stars). 2 submissions from 2 submitters: Uncertain significance (2). Last evaluated 2025-03-31.

Conditions:
Hereditary spastic paraplegia 4. Also called: Spastic paraplegia 4, autosomal dominant; Spastic Paraplegia 4; Familial spastic paraplegia autosomal dominant 2. Identifiers: Orphanet 100985, MedGen C1866855, MONDO:0008438, OMIM 182601.

Submissions (2):

3billion
Classification: Uncertain significance for Hereditary spastic paraplegia 4. Last evaluated: 2025-03-31. Review status: criteria provided, single submitter. Criteria: ACMG Guidelines, 2015. Collection method: clinical testing. Allele origin: germline. Affected: yes.

Labcorp Genetics (formerly Invitae), Labcorp
Classification: Uncertain significance for Hereditary spastic paraplegia 4. Last evaluated: 2024-06-20. Review status: criteria provided, single submitter. Criteria: Invitae Variant Classification Sherloc (09022015). Collection method: clinical testing. Allele origin: germline.
Comment: This sequence change replaces aspartic acid, which is acidic and polar, with valine, which is neutral and non-polar, at codon 548 of the SPAST protein (p.Asp548Val). This variant is not present in population databases (gnomAD no frequency). This missense change has been observed in individuals with spastic paraplegia (PMID: 38631813; Invitae). Advanced modeling of protein sequence and biophysical properties (such as structural, functional, and spatial information, amino acid conservation, physicochemical variation, residue mobility, and thermodynamic stability) performed at Invitae indicates that this missense variant is expected to disrupt SPAST protein function with a positive predictive value of 80%. This variant disrupts the p.Asp548 amino acid residue in SPAST. Other variant(s) that disrupt this residue have been observed in individuals with SPAST-related conditions (PMID: 19875132, 23252998), which suggests that this may be a clinically significant amino acid residue. In summary, the available evidence is currently insufficient to determine the role of this variant in disease. Therefore, it has been classified as a Variant of Uncertain Significance.

Literature cited by the submitters: PubMed 19875132 (cited by 3billion and Labcorp Genetics (formerly Invitae), Labcorp); PubMed 38631813 (cited by Labcorp Genetics (formerly Invitae), Labcorp); PubMed 23252998 (cited by Labcorp Genetics (formerly Invitae), Labcorp).

NM_014946.4(SPAST):c.1643A>T (p.Asp548Val)

Gene: SPAST (spastin; plus strand). Cytogenetic location: 2p22.3.
Variant type: single nucleotide variant.
Coding change: c.1643A>T on transcript NM_014946.4 (MANE Select); coding-DNA position 1643, A replaced by T.
Protein change: p.Asp548Val; replaces aspartic acid 548 with valine.
Molecular consequence: missense variant. On other transcripts: intron variant (1).
Genome position (GRCh38, 1-based): chr2:32,144,963, A>T. VCF-style: chr2-32144963-A-T. GRCh37 (hg19) VCF-style: chr2-32370032-A-T.
Other names: c.1640A>T, p.Asp547Val (NM_001363823.2); c.1544A>T, p.Asp515Val (NM_001363875.2); c.1547A>T, p.Asp516Val (NM_199436.2); c.1520+1548A>T (NM_001377959.1); short protein forms D548V, D547V, D515V, D516V.
Identifiers: ClinVar variation 3656429 (VCV003656429.3).